The following is an entry in ClinVar:

NM_030665.4(RAI1):c.1766C>G (p.Ala589Gly)

Gene: RAI1 (retinoic acid induced 1; plus strand). Cytogenetic location: 17p11.2.
Variant type: single nucleotide variant.
Coding change: c.1766C>G on transcript NM_030665.4 (MANE Select); coding-DNA position 1766, C replaced by G.
Protein change: p.Ala589Gly; replaces alanine 589 with glycine.
Molecular consequence: missense variant.
Genome position (GRCh38, 1-based): chr17:17,794,714, C>G. VCF-style: chr17-17794714-C-G. GRCh37 (hg19) VCF-style: chr17-17698028-C-G.
Other names: short protein forms A589G.
Identifiers: ClinVar variation 1307201 (VCV001307201.4), dbSNP rs1226126106, ClinGen allele CA398549155.
Genomic context (GRCh38, chr17:17,794,714, plus strand): 5'-ACGACTCCTTCCAGAGCCTACACGGCAGTCTGCCGCTCGACAGCTTCTCCAAGTTCGTGG[C>G]GGGTGAGCGGGACTGTCCGCGGCTGCTGCTCAGCGCCCTGGCACAGGAGGACCTGGCCTC-3'
Protein context (NP_109590.3, residues 579-599): LPLDSFSKFV[Ala589Gly]GERDCPRLLL

ClinVar aggregate classification (germline): Uncertain significance. Review status: criteria provided, multiple submitters, no conflicts (2 of 4 stars). 2 submissions from 2 submitters: Uncertain significance (2). Last evaluated 2024-05-06.

gnomAD v4.1: 1 of 1,611,326 alleles (0.000062%); highest among the groups gnomAD compares: Non-Finnish European, 0.000085%; no homozygotes.

Submissions (2):

Labcorp Genetics (formerly Invitae), Labcorp
Classification: Uncertain significance. Last evaluated: 2024-05-06. Review status: criteria provided, single submitter. Criteria: Invitae Variant Classification Sherloc (09022015). Collection method: clinical testing. Allele origin: germline.
Comment: This sequence change replaces alanine, which is neutral and non-polar, with glycine, which is neutral and non-polar, at codon 589 of the RAI1 protein (p.Ala589Gly). This variant is not present in population databases (gnomAD no frequency). This variant has not been reported in the literature in individuals affected with RAI1-related conditions. ClinVar contains an entry for this variant (Variation ID: 1307201). Advanced modeling of protein sequence and biophysical properties (such as structural, functional, and spatial information, amino acid conservation, physicochemical variation, residue mobility, and thermodynamic stability) performed at Invitae indicates that this missense variant is not expected to disrupt RAI1 protein function with a negative predictive value of 80%. In summary, the available evidence is currently insufficient to determine the role of this variant in disease. Therefore, it has been classified as a Variant of Uncertain Significance.

GeneDx
Classification: Uncertain significance. Last evaluated: 2019-07-16. Review status: criteria provided, single submitter. Criteria: GeneDx Variant Classification Process June 2021. Collection method: clinical testing. Allele origin: germline. Affected: yes.
Comment: Not observed in large population cohorts (Lek et al., 2016); In silico analysis, which includes protein predictors and evolutionary conservation, supports that this variant does not alter protein structure/function; Has not been previously published as pathogenic or benign to our knowledge